The following is an entry in ClinVar:

ClinVar aggregate classification (germline): Uncertain significance (1 of 4 stars; one submission).

Conditions:
Charcot-Marie-Tooth disease type 4. Also called: Charcot-Marie-Tooth disease, type IV; Charcot-Marie-Tooth, Type 4. Identifiers: Orphanet 64749, MedGen C4082197, MONDO:0018995.
Charcot-Marie-Tooth disease type 4F. Also called: Charcot-Marie-Tooth disease, demyelinating, type 4F. Identifiers: Orphanet 99952, MedGen C3540453, MONDO:0013959, OMIM 614895.

Submission:

Labcorp Genetics (formerly Invitae), Labcorp
Classification: Uncertain significance for Charcot-Marie-Tooth disease type 4. Last evaluated: 2022-04-08. Review status: criteria provided, single submitter. Criteria: Invitae Variant Classification Sherloc (09022015). Collection method: clinical testing. Allele origin: germline.
Comment: In summary, the available evidence is currently insufficient to determine the role of this variant in disease. Therefore, it has been classified as a Variant of Uncertain Significance. This sequence change replaces leucine, which is neutral and non-polar, with isoleucine, which is neutral and non-polar, at codon 309 of the PRX protein (p.Leu309Ile). This variant is not present in population databases (gnomAD no frequency). This variant has not been reported in the literature in individuals affected with PRX-related conditions. Algorithms developed to predict the effect of missense changes on protein structure and function are either unavailable or do not agree on the potential impact of this missense change (SIFT: "Tolerated"; PolyPhen-2: "Possibly Damaging"; Align-GVGD: "Class C0").

NM_181882.3(PRX):c.925C>A (p.Leu309Ile)

Gene: PRX (periaxin; minus strand). Cytogenetic location: 19q13.2.
Variant type: single nucleotide variant.
Coding change: c.925C>A on transcript NM_181882.3 (MANE Select); coding-DNA position 925, C replaced by A.
Protein change: p.Leu309Ile; replaces leucine 309 with isoleucine.
Molecular consequence: missense variant. On other transcripts: 3 prime UTR variant (1).
Genome position (GRCh38, 1-based): chr19:40,397,427, G>T on the plus strand (C>A on the coding strand, the complement: PRX is on the minus strand). VCF-style: chr19-40397427-G-T. GRCh37 (hg19) VCF-style: chr19-40903334-G-T.
Other names: c.1210C>A, p.Leu404Ile (NM_001411127.1); c.*1130C>A (NM_020956.2); short protein forms L404I, L309I.
Identifiers: ClinVar variation 1935866 (VCV001935866.6), dbSNP rs1347235503, ClinGen allele CA405899420.
Genomic context (GRCh38, chr19:40,397,427, plus strand): 5'-CCACATCCAGGGTGGGCACCACTACCGACACAGCCCCTTCCCGGGTCTCTAGGCAGGGAA[G>T]TGTGGGCAGAGTGGGCAGTGAGGGCAAGGCAGGCAGCTCCACCTGGGGGACCTGGATTCC-3'
Protein context (NP_870998.2, residues 299-319): ALPSLPTLPT[Leu309Ile]PCLETREGAV